The following is an entry in ClinVar:

ClinVar aggregate classification (germline): Uncertain significance (1 of 4 stars; one submission).

Conditions:
Werner syndrome (WRN). Identifiers: Orphanet 902, MedGen C0043119, MONDO:0010196, OMIM 277700.

Allele frequency attached by ClinVar (database versions not stated): gnomAD 0.00001.
gnomAD v4.1: 3 of 1,613,574 alleles (0.00019%); highest among the groups gnomAD compares: Non-Finnish European, 0.00025%; no homozygotes.

Submission:

Labcorp Genetics (formerly Invitae), Labcorp
Classification: Uncertain significance for Werner syndrome. Last evaluated: 2023-09-21. Review status: criteria provided, single submitter. Criteria: Invitae Variant Classification Sherloc (09022015). Collection method: clinical testing. Allele origin: germline.
Comment: In summary, the available evidence is currently insufficient to determine the role of this variant in disease. Therefore, it has been classified as a Variant of Uncertain Significance. This sequence change replaces alanine, which is neutral and non-polar, with serine, which is neutral and polar, at codon 1137 of the WRN protein (p.Ala1137Ser). This variant is present in population databases (no rsID available, gnomAD 0.007%). This variant has not been reported in the literature in individuals affected with WRN-related conditions. ClinVar contains an entry for this variant (Variation ID: 864454). Algorithms developed to predict the effect of missense changes on protein structure and function output the following: SIFT: "Not Available"; PolyPhen-2: "Benign"; Align-GVGD: "Not Available". The serine amino acid residue is found in multiple mammalian species, which suggests that this missense change does not adversely affect protein function.

NM_000553.6(WRN):c.3409G>T (p.Ala1137Ser)

Gene: WRN (WRN RecQ like helicase; plus strand). Cytogenetic location: 8p12.
Variant type: single nucleotide variant.
Coding change: c.3409G>T on transcript NM_000553.6 (MANE Select); coding-DNA position 3409, G replaced by T.
Protein change: p.Ala1137Ser; replaces alanine 1137 with serine.
Molecular consequence: missense variant.
Genome position (GRCh38, 1-based): chr8:31,147,078, G>T. VCF-style: chr8-31147078-G-T. GRCh37 (hg19) VCF-style: chr8-31004594-G-T.
Other names: short protein forms A1137S.
Identifiers: ClinVar variation 864454 (VCV000864454.5), dbSNP rs545826298, ClinGen allele CA370925286.
Genomic context (GRCh38, chr8:31,147,078, plus strand): 5'-AGCTTTTATTATTTATTTTCTTTTAAATATTTTAGTATCATGGTACAGTCACCAGAAAAA[G>T]CTTACAGTTCCTCACAGCCTGTTATTTCGGCACAAGAGCAGGAGACTCAGGTAAGGCTTT-3'
Protein context (NP_000544.2, residues 1127-1147): KSIMVQSPEK[Ala1137Ser]YSSSQPVISA